The following is an entry in ClinVar:

NM_012179.4(FBXO7):c.734G>T (p.Gly245Val)

Gene: FBXO7 (F-box protein 7; plus strand). Cytogenetic location: 22q12.3.
Variant type: single nucleotide variant.
Coding change: c.734G>T on transcript NM_012179.4 (MANE Select); coding-DNA position 734, G replaced by T.
Protein change: p.Gly245Val; replaces glycine 245 with valine.
Molecular consequence: missense variant.
Genome position (GRCh38, 1-based): chr22:32,485,156, G>T. VCF-style: chr22-32485156-G-T. GRCh37 (hg19) VCF-style: chr22-32881143-G-T.
Other names: c.497G>T, p.Gly166Val (NM_001033024.2); c.392G>T, p.Gly131Val (NM_001257990.2); short protein forms G131V, G166V, G245V.
Identifiers: ClinVar variation 4530906 (VCV004530906.1).

ClinVar aggregate classification (germline): Uncertain significance (1 of 4 stars; one submission).

Submission:

GeneDx
Classification: Uncertain significance. Last evaluated: 2025-05-16. Review status: criteria provided, single submitter. Criteria: GeneDx Variant Classification Process June 2021. Collection method: clinical testing. Allele origin: germline. Affected: yes.
Comment: Not observed at significant frequency in large population cohorts (gnomAD); In silico analysis supports a deleterious effect on splicing; In silico analysis supports that this missense variant has a deleterious effect on protein structure/function; Has not been previously published as pathogenic or benign to our knowledge